The following is an entry in ClinVar:

ClinVar aggregate classification (germline): Likely benign. Review status: criteria provided, multiple submitters, no conflicts (2 of 4 stars). 2 submissions from 2 submitters: Likely benign (2). Last evaluated 2021-12-23.

Conditions:
Dilated cardiomyopathy 1G (CMD1G). Identifiers: Orphanet 154, MedGen C1858763, MONDO:0011400, OMIM 604145.
Autosomal recessive limb-girdle muscular dystrophy type 2J (LGMDR10). Also called: MUSCULAR DYSTROPHY, LIMB-GIRDLE, AUTOSOMAL RECESSIVE 10; Limb-girdle muscular dystrophy, type 2J. Identifiers: Orphanet 140922, MedGen C1837342, MONDO:0012127, OMIM 608807.

Allele frequency attached by ClinVar (database versions not stated): gnomAD exomes below 0.00001; TOPMed below 0.00001.
gnomAD v4.1: 2 of 1,562,476 alleles (0.00013%); highest among the groups gnomAD compares: Non-Finnish European, 0.00017%; no homozygotes.

Submissions (2):

Labcorp Genetics (formerly Invitae), Labcorp
Classification: Likely benign for Dilated cardiomyopathy 1G; Autosomal recessive limb-girdle muscular dystrophy type 2J. Last evaluated: 2021-12-23. Review status: criteria provided, single submitter. Criteria: Invitae Variant Classification Sherloc (09022015). Collection method: clinical testing. Allele origin: germline.

GeneDx
Classification: Likely benign. Last evaluated: 2018-04-25. Review status: criteria provided, single submitter. Criteria: GeneDx Variant Classification (06012015). Collection method: clinical testing. Allele origin: germline. Affected: yes.
Comment: This variant is considered likely benign or benign based on one or more of the following criteria: it is a conservative change, it occurs at a poorly conserved position in the protein, it is predicted to be benign by multiple in silico algorithms, and/or has population frequency not consistent with disease.

NM_001267550.2(TTN):c.53881+15T>A

Genes: TTN (titin; minus strand), TTN-AS1 (TTN antisense RNA 1; plus strand). Cytogenetic location: 2q31.2.
Variant type: single nucleotide variant.
Coding change: c.53881+15T>A on transcript NM_001267550.2 (MANE Select); 15 bases into the intron after coding-DNA position 53881, T replaced by A.
Molecular consequence: intron variant. On other transcripts: non-coding transcript variant (1).
Genome position (GRCh38, 1-based): chr2:178,605,399, A>T on the plus strand (T>A on the coding strand, the complement: TTN is on the minus strand). VCF-style: chr2-178605399-A-T. GRCh37 (hg19) VCF-style: chr2-179470126-A-T.
Other names: c.26686+15T>A (NM_003319.4); c.27262+15T>A (NM_133437.4); c.27061+15T>A (NM_133432.3); c.46177+15T>A (NM_133378.4); c.48958+15T>A (NM_001256850.1).
Identifiers: ClinVar variation 682168 (VCV000682168.6), dbSNP rs1473876344, ClinGen allele CA430270347.
Genomic context (GRCh38, chr2:178,605,399, plus strand): 5'-ATGTTTTTTTCAACTTATGGGATAAAGGCACACTGTAAAATGCATTAAAATTATTATTAT[A>T]TTCAGATTCCGCACCTTCATCATCTTGTATGACTACATTAAGAGGTAGGGATGGTTCACT-3'